The following is an entry in ClinVar:

NM_001267550.2(TTN):c.84494A>G (p.His28165Arg)

Genes: TTN (titin; minus strand), TTN-AS1 (TTN antisense RNA 1; plus strand). Cytogenetic location: 2q31.2.
Variant type: single nucleotide variant.
Coding change: c.84494A>G on transcript NM_001267550.2 (MANE Select); coding-DNA position 84494, A replaced by G.
Protein change: p.His28165Arg; replaces histidine 28165 with arginine.
Molecular consequence: missense variant.
Genome position (GRCh38, 1-based): chr2:178,561,638, T>C on the plus strand (A>G on the coding strand, the complement: TTN is on the minus strand). VCF-style: chr2-178561638-T-C. GRCh37 (hg19) VCF-style: chr2-179426365-T-C.
Other names: c.76790A>G, p.His25597Arg (NM_133378.4); c.79571A>G, p.His26524Arg (NM_001256850.1); c.57299A>G, p.His19100Arg (NM_003319.4); c.57674A>G, p.His19225Arg (NM_133432.3); c.57875A>G, p.His19292Arg (NM_133437.4); short protein forms H25597R, H28165R, H19100R, H19225R, H26524R, H19292R.
Identifiers: ClinVar variation 229532 (VCV000229532.5), dbSNP rs876658088, ClinGen allele CA10576471.

ClinVar aggregate classification (germline): Uncertain significance (1 of 4 stars; one submission).

Allele frequency attached by ClinVar (database versions not stated): gnomAD 0.00001; TOPMed 0.00001; gnomAD exomes 0.00002.
gnomAD v4.1: 23 of 1,611,178 alleles (0.0014%); highest among the groups gnomAD compares: Non-Finnish European, 0.002%; no homozygotes.

Submission:

Laboratory for Molecular Medicine, Mass General Brigham Personalized Medicine
Classification: Uncertain significance. Last evaluated: 2014-10-15. Review status: criteria provided, single submitter. Criteria: LMM Criteria. Collection method: clinical testing. Allele origin: germline. Observed: 1 variant allele.
Comment: The p.His25597Arg variant in TTN has not been previously reported in individuals with cardiomyopathy or in large population studies. Computational prediction to ols and conservation analysis do not provide strong support for or against an im pact to the protein. In summary, the clinical significance of the p.His25597Arg variant is uncertain.